The following is an entry in ClinVar:

NM_017755.6(NSUN2):c.601G>A (p.Asp201Asn)

Gene: NSUN2 (NOP2/Sun RNA methyltransferase 2; minus strand). Cytogenetic location: 5p15.31.
Variant type: single nucleotide variant.
Coding change: c.601G>A on transcript NM_017755.6 (MANE Select); coding-DNA position 601, G replaced by A.
Protein change: p.Asp201Asn; replaces aspartic acid 201 with asparagine.
Molecular consequence: missense variant.
Genome position (GRCh38, 1-based): chr5:6,622,037, C>T on the plus strand (G>A on the coding strand, the complement: NSUN2 is on the minus strand). VCF-style: chr5-6622037-C-T. GRCh37 (hg19) VCF-style: chr5-6622150-C-T.
Other names: c.496G>A, p.Asp166Asn (NM_001193455.2); c.601G>A (NM_017755.5); short protein forms D166N, D201N.
Identifiers: ClinVar variation 1971353 (VCV001971353.5), dbSNP rs746566794, ClinGen allele CA113740928.
Genomic context (GRCh38, chr5:6,622,037, plus strand): 5'-TGGCATTCCTACCATTTTGAACACAAGTCCAATGCATACCTGGAAAGGGGACATTCATGT[C>T]GGCATGTAGCATTTCAATTAACTGTGTGGTCTTTGAGCCAGGTGCTGCACACATATCTAA-3'
Protein context (NP_060225.4, residues 191-211): TTQLIEMLHA[Asp201Asn]MNVPFPEGFV

ClinVar aggregate classification (germline): Uncertain significance. Review status: criteria provided, multiple submitters, no conflicts (2 of 4 stars). 2 submissions from 2 submitters: Uncertain significance (2). Last evaluated 2023-04-07.

Conditions:
Inborn genetic diseases. Identifiers: MedGen C0950123, MeSH D030342.

gnomAD v4.1: 17 of 1,613,964 alleles (0.0011%); highest among the groups gnomAD compares: East Asian, 0.0022%; no homozygotes.

Submissions (2):

Ambry Genetics
Classification: Uncertain significance for Inborn genetic diseases. Last evaluated: 2023-04-07. Review status: criteria provided, single submitter. Criteria: Ambry Variant Classification Scheme 2023. Collection method: clinical testing. Allele origin: germline.

Labcorp Genetics (formerly Invitae), Labcorp
Classification: Uncertain significance. Last evaluated: 2022-08-20. Review status: criteria provided, single submitter. Criteria: Invitae Variant Classification Sherloc (09022015). Collection method: clinical testing. Allele origin: germline.
Comment: Algorithms developed to predict the effect of sequence changes on RNA splicing suggest that this variant may disrupt the consensus splice site. Algorithms developed to predict the effect of missense changes on protein structure and function are either unavailable or do not agree on the potential impact of this missense change (SIFT: "Tolerated"; PolyPhen-2: "Probably Damaging"; Align-GVGD: "Class C0"). This variant has not been reported in the literature in individuals affected with NSUN2-related conditions. This variant is present in population databases (rs746566794, gnomAD 0.0009%). This sequence change replaces aspartic acid, which is acidic and polar, with asparagine, which is neutral and polar, at codon 201 of the NSUN2 protein (p.Asp201Asn). In summary, the available evidence is currently insufficient to determine the role of this variant in disease. Therefore, it has been classified as a Variant of Uncertain Significance.